The following is an entry in ClinVar:

NM_031433.4(MFRP):c.1193C>A (p.Thr398Lys)

Genes: C1QTNF5 (C1q and TNF related 5; minus strand), MFRP (membrane frizzled-related protein; minus strand). Cytogenetic location: 11q23.3.
Variant type: single nucleotide variant.
Coding change: c.1193C>A on transcript NM_031433.4 (MANE Select); coding-DNA position 1193, C replaced by A.
Protein change: p.Thr398Lys; replaces threonine 398 with lysine.
Molecular consequence: missense variant. On other transcripts: 5 prime UTR variant (1).
Genome position (GRCh38, 1-based): chr11:119,342,935, G>T on the plus strand (C>A on the coding strand, the complement: MFRP is on the minus strand). VCF-style: chr11-119342935-G-T. GRCh37 (hg19) VCF-style: chr11-119213645-G-T.
Other names: c.-1444C>A (NM_015645.5); short protein forms T398K.
Identifiers: ClinVar variation 1381396 (VCV001381396.8), dbSNP rs368782877, ClinGen allele CA382974412.

ClinVar aggregate classification (germline): Uncertain significance (1 of 4 stars; one submission).

Conditions:
Isolated microphthalmia 5. Also called: Posterior Microphthalmia with Retinitis Pigmentosa, Foveoschisis, and Optic Disc Drusen. Identifiers: Orphanet 251279, MedGen C1970236, MONDO:0012605, OMIM 611040.

Submission:

Labcorp Genetics (formerly Invitae), Labcorp
Classification: Uncertain significance for Isolated microphthalmia 5. Last evaluated: 2021-05-07. Review status: criteria provided, single submitter. Criteria: Invitae Variant Classification Sherloc (09022015). Collection method: clinical testing. Allele origin: germline.
Comment: In summary, the available evidence is currently insufficient to determine the role of this variant in disease. Therefore, it has been classified as a Variant of Uncertain Significance. Algorithms developed to predict the effect of missense changes on protein structure and function are either unavailable or do not agree on the potential impact of this missense change (SIFT: "Deleterious"; PolyPhen-2: "Probably Damaging"; Align-GVGD: "Class C0"). This variant has not been reported in the literature in individuals with MFRP-related conditions. This variant is not present in population databases (ExAC no frequency). This sequence change replaces threonine with lysine at codon 398 of the MFRP protein (p.Thr398Lys). The threonine residue is moderately conserved and there is a moderate physicochemical difference between threonine and lysine.